The following is an entry in ClinVar:

ClinVar aggregate classification (germline): Pathogenic. Review status: reviewed by expert panel (3 of 4 stars). 13 submissions from 13 submitters: Pathogenic (1). 12 of the submissions do not count toward it. Last evaluated 2019-06-18.

Conditions:
Hereditary breast ovarian cancer syndrome. Also called: Hereditary breast and ovarian cancer syndrome; Hereditary breast and ovarian cancer; Hereditary breast and ovarian cancer syndrome (HBOC); Breast and ovarian cancer; Hereditary breast and/or ovarian cancer syndrome; BRCA1- and BRCA2-Associated Hereditary Breast and Ovarian Cancer. Identifiers: Orphanet 145, MedGen C0677776, MeSH D061325, MONDO:0003582. Disease mechanism: loss of function.
Familial cancer of breast. Also called: BREAST CANCER, FAMILIAL; Hereditary breast cancer; hereditary breast carcinoma. Identifiers: Orphanet 227535, MedGen C0346153, MONDO:0016419, OMIM 114480. Disease mechanism: loss of function.
BRCA2-related disorder. Also called: BRCA2-related condition; BRCA2-related disorders. Identifiers: MedGen CN239275.
Hereditary cancer-predisposing syndrome. Also called: Neoplastic Syndromes, Hereditary; Tumor predisposition; Hereditary neoplastic syndrome; Hereditary Cancer Syndrome. Identifiers: Orphanet 140162, MedGen C0027672, MeSH D009386, MONDO:0015356.
Breast-ovarian cancer, familial, susceptibility to, 2 (BROVCA2). Also called: BRCA2 Hereditary Breast and Ovarian Cancer. Identifiers: Orphanet 145, MedGen C2675520, MONDO:0012933, OMIM 612555. Disease mechanism: loss of function.

Allele frequency attached by ClinVar (database versions not stated): gnomAD exomes below 0.00001.
gnomAD v4.1: 1 of 1,608,942 alleles (0.000062%); highest among the groups gnomAD compares: Non-Finnish European, 0.000085%; no homozygotes.

Submissions (14):

Evidence-based Network for the Interpretation of Germline Mutant Alleles (ENIGMA)
Classification: Pathogenic for Breast-ovarian cancer, familial, susceptibility to, 2. Last evaluated: 2019-06-18. Review status: reviewed by expert panel. Criteria: ENIGMA BRCA1/2 Classification Criteria (2017-06-29). Collection method: curation. Allele origin: germline.
Comment: IARC class based on posterior probability from multifactorial likelihood analysis, thresholds for class as per Plon et al. 2008 (PMID: 18951446). Class 5 based on posterior probability = 0.998544

Ambry Genetics
Classification: Pathogenic for Hereditary cancer-predisposing syndrome. Last evaluated: 2025-10-15. Review status: criteria provided, single submitter. Criteria: Ambry Variant Classification Scheme 2023. Collection method: clinical testing. Allele origin: germline. Not counted in ClinVar's aggregate classification.
Comment: The c.475+1G>T intronic pathogenic mutation results from a G to T substitution one nucleotide after coding exon 4 of the BRCA2 gene. This alteration has been identified in multiple breast and/or ovarian cancer families to date (Palma MD et al. Cancer Res. 2008 Sep;68:7006-14; Tea MK et al. Maturitas. 2014 Jan;77:68-72; Rebbeck TR et al. Hum Mutat, 2018 05;39:593-620; Bhaskaran SP et al. Int J Cancer, 2019 08;145:962-973). This alteration as well as several close-match alterations at this same donor site results in skipping of coding exon 4 (Fraile-Bethencourt E et al. J Pathol, 2019 08;248:409-420; Colombo M et al. PLoS One. 2013 Feb;8:e57173). Of note, this alteration is also designated as IVS5+1G>T in published literature. This alteration segregated with disease as reported in a multifactorial analysis model (Parsons MT et al. Hum Mutat, 2019 09;40:1557-1578). This variant is considered to be rare based on population cohorts in the Genome Aggregation Database (gnomAD). In addition to the clinical data presented in the literature, alterations that disrupt the canonical splice site are expected to cause aberrant splicing, resulting in an abnormal protein or a transcript that is subject to nonsense-mediated mRNA decay. As such, this alteration is classified as a disease-causing mutation.

GeneKor MSA
Classification: Pathogenic for Hereditary breast ovarian cancer syndrome. Last evaluated: 2025-05-15. Review status: criteria provided, single submitter. Criteria: ACMG Guidelines, 2015. Collection method: clinical testing. Allele origin: germline. Affected: yes. Not counted in ClinVar's aggregate classification.
Comment: This variant is a nucleotide substitution at the +1 position of intron 5 of the BRCA2 gene, c.(475+1G>T). This position, known as donor splice site, is highly conserved in the human and other genomes and is crucial in mRNA processing. Therefore, this mutation is expected to disrupt RNA splicing and it likely results in an absent or disrupted protein product. This variant is not present in population databases (rs81002797). In the international literature it has been reported that disruption of this splice site has been observed in individuals with a personal and/or family history of breast or ovarian cancer (PMID:18703817, 24156927, 28724667, 29446198). ClinVar contains entries for this variant where it is listed as pathogenic (VCV000051709.33). For these reasons this variant has been classified as pathogenic.

Labcorp Genetics (formerly Invitae), Labcorp
Classification: Pathogenic for Hereditary breast ovarian cancer syndrome. Last evaluated: 2025-05-06. Review status: criteria provided, single submitter. Criteria: Invitae Variant Classification Sherloc (09022015). Collection method: clinical testing. Allele origin: germline. Not counted in ClinVar's aggregate classification.
Comment: This sequence change affects a donor splice site in intron 5 of the BRCA2 gene. RNA analysis indicates that disruption of this splice site induces altered splicing and may result in an absent or altered protein product. This variant is not present in population databases (gnomAD no frequency). Disruption of this splice site has been observed in individual(s) with a personal and/or family history of breast or ovarian cancer (PMID: 18703817, 24156927, 28724667, 29446198). This variant is also known as IVS5+1G>T. ClinVar contains an entry for this variant (Variation ID: 51709). Based on a multifactorial likelihood algorithm using genetic, in silico, and/or statistical data, this variant has been determined to have a high probability of being pathogenic (PMID: 31131967). Studies have shown that disruption of this splice site alters mRNA splicing and is expected to lead to the loss of protein expression (PMID: 30883759; internal data). For these reasons, this variant has been classified as Pathogenic.

Color Diagnostics, LLC DBA Color Health
Classification: Pathogenic for Hereditary cancer-predisposing syndrome. Last evaluated: 2025-01-07. Review status: criteria provided, single submitter. Criteria: ACMG Guidelines, 2015. Collection method: clinical testing. Allele origin: germline. Not counted in ClinVar's aggregate classification.
Comment: This variant causes a G to T nucleotide substitution at the +1 position of intron 5 of the BRCA2 gene. RNA studies have detected the out-of-frame skipping of exon 5 in carrier-derived RNA and in a minigene splicing assay (PMID: 23451180, 30883759). This aberrant mRNA transcript is expected to result in an absent or non-functional protein product. This variant has been reported in three individuals affected with breast cancer (PMID: 28724667, 32963034) and in additional suspected hereditary breast and ovarian cancer families (PMID: 18703817, 24156927). A multifactorial analysis has reported a family history likelihood ratio for pathogenicity of 9.1893 from three pedigrees (PMID: 31131967). This variant has not been identified in the general population by the Genome Aggregation Database (gnomAD). Loss of BRCA2 function is a known mechanism of disease. Based on the available evidence, this variant is classified as Pathogenic.

GeneDx
Classification: Pathogenic. Last evaluated: 2023-08-01. Review status: criteria provided, single submitter. Criteria: GeneDx Variant Classification Process June 2021. Collection method: clinical testing. Allele origin: germline. Affected: yes. Not counted in ClinVar's aggregate classification.
Comment: Canonical splice site variant demonstrated to result in out-of-frame exon skipping in a gene for which loss of function is a known mechanism of disease (Colombo et al., 2013; Fraile-Bethencourt et al., 2019); Not observed at significant frequency in large population cohorts (gnomAD); Truncating variants in this gene are considered pathogenic by a well-established clinical consortium and/or database; Also known as 703+1G>T; This variant is associated with the following publications: (PMID: 24156927, 32772980, 25525159, 18703817, 28724667, 29446198, 23451180, 21523855, 30883759, 29673794, 31131967, 30702160, 31825140, 30787465, 34645131, 35957765)

Institute for Biomarker Research, Medical Diagnostic Laboratories, L.L.C.
Classification: Pathogenic for Hereditary breast ovarian cancer syndrome. Last evaluated: 2023-08-01. Review status: criteria provided, single submitter. Criteria: ACMG Guidelines, 2015. Collection method: clinical testing. Allele origin: germline. Not counted in ClinVar's aggregate classification.

Baylor Genetics
Classification: Pathogenic for Familial cancer of breast. Last evaluated: 2023-07-07. Review status: criteria provided, single submitter. Criteria: ACMG Guidelines, 2015. Collection method: clinical testing. Allele origin: unknown. Not counted in ClinVar's aggregate classification.

PreventionGenetics, part of Exact Sciences
Classification: Pathogenic for BRCA2-related condition. Last evaluated: 2023-02-09. Review status: criteria provided, single submitter. Criteria: ACMG Guidelines, 2015. Collection method: clinical testing. Allele origin: germline. Not counted in ClinVar's aggregate classification.
Comment: The BRCA2 c.475+1G>T variant is predicted to disrupt the GT donor site and interfere with normal splicing. This variant, also known as IVS5+1G>T , has been reported in multiple individuals with personal and/or family history of breast or ovarian cancer (Palma MD et al 2008. PubMed ID: 18703817; Tea MK et al 2013. PubMed ID: 24156927; Sun J et al 2017. PubMed ID: 28724667; Bang YJ et al 2021. PubMed ID: 34645131). In vitro functional studies show this variant results in exon skipping (Colombo M et al 2013. PubMed ID: 23451180; Fraile-Bethencourt E et al 2019. PubMed ID: 30883759). This variant has not been reported in a large population database, indicating this variant is rare. Variants that disrupt the consensus splice donor site in BRCA2 are expected to be pathogenic. This variant is interpreted as pathogenic.

Quest Diagnostics Nichols Institute San Juan Capistrano
Classification: Pathogenic. Last evaluated: 2017-02-28. Review status: criteria provided, single submitter. Criteria: Quest Diagnostics criteria. Collection method: clinical testing. Allele origin: germline. Not counted in ClinVar's aggregate classification.

Women's Health and Genetics/Laboratory Corporation of America, LabCorp
Classification: Pathogenic for Hereditary breast ovarian cancer syndrome. Last evaluated: 2016-08-22. Review status: criteria provided, single submitter. Criteria: LabCorp Variant Classification Summary - May 2015. Collection method: clinical testing. Allele origin: germline. Not counted in ClinVar's aggregate classification.
Comment: Variant summary: The c.475+1G>T in a BRCA2 gene is a splice-site variant that alters a conserved nucleotide. 5/5 in silico tools via Alamut predict this variant to disrupt a canonical acceptor sequence, but functional studies are yet to be conducted to confirm those predictions. The variant has been reported in several affected individuals from HBOC families. The variant is absent from ExAC. Lastly, it has been classified as pathogenic via publications and/or reputable databases/clinical laboratories. Taken together, the variant was classified as Pathogenic.

Consortium of Investigators of Modifiers of BRCA1/2 (CIMBA), c/o University of Cambridge
Classification: Pathogenic for Breast-ovarian cancer, familial, susceptibility to, 2. Last evaluated: 2015-10-02. Review status: criteria provided, single submitter. Criteria: CIMBA Mutation Classification guidelines May 2016. Collection method: clinical testing. Allele origin: germline. Not counted in ClinVar's aggregate classification.

Breast Cancer Information Core (BIC) (BRCA2)
Classification: Pathogenic for Breast-ovarian cancer, familial 2. Last evaluated: 2004-02-20. Review status: no assertion criteria provided. Collection method: clinical testing. Allele origin: germline. Affected: yes. Observed: 2 variant alleles. Not counted in ClinVar's aggregate classification.

Dr. Peter K. Rogan Lab, Western University
No classification provided (evidence only). Condition: Squamous cell lung carcinoma. Review status: no classification provided. Collection method: in vitro. Allele origin: not applicable. Functional consequence: skipped exon. Not counted in ClinVar's aggregate classification.

Literature cited by the submitters: PubMed 31131967 (cited by 4 submitters); PubMed 21523855 (cited by Ambry Genetics and Women's Health and Genetics/Laboratory Corporation of America, LabCorp); PubMed 29446198 (cited by 3 submitters); PubMed 30702160 (cited by Ambry Genetics); PubMed 30883759 (cited by 3 submitters); PubMed 18703817 (cited by 5 submitters); PubMed 24156927 (cited by 5 submitters); PubMed 28724667 (cited by 3 submitters); PubMed 23451180 (cited by Color Diagnostics, LLC DBA Color Health and Quest Diagnostics Nichols Institute San Juan Capistrano); PubMed 32963034 (cited by Color Diagnostics, LLC DBA Color Health).

NM_000059.4(BRCA2):c.475+1G>T

Gene: BRCA2 (BRCA2 DNA repair associated; plus strand). Cytogenetic location: 13q13.1.
Variant type: single nucleotide variant.
Coding change: c.475+1G>T on transcript NM_000059.4 (MANE Select); the canonical splice donor site of the intron after coding-DNA position 475, G replaced by T.
Molecular consequence: splice donor variant.
Genome position (GRCh38, 1-based): chr13:32,326,151, G>T. VCF-style: chr13-32326151-G-T. GRCh37 (hg19) VCF-style: chr13-32900288-G-T.
Other names: IVS5+1G>T; c.475+1G>T (NM_001406720.1, NM_001406719.1, NM_001406721.1); c.106+1G>T (NM_001406722.1).
Identifiers: ClinVar variation 51709 (VCV000051709.37), dbSNP rs81002797, ClinGen allele CA020757.
Genomic context (GRCh38, chr13:32,326,151, plus strand): 5'-TTTATTTTAGTCCTGTTGTTCTACAATGTACACATGTAACACCACAAAGAGATAAGTCAG[G>T]TATGATTAAAAACAATGCTTTTTATTCTTAGAATACTAGAAATGTTAATAAAAATAAAAC-3'